The following is an entry in ClinVar:

ClinVar aggregate classification (germline): Conflicting classifications of pathogenicity. Review status: criteria provided, conflicting classifications (1 of 4 stars). 2 submissions from 2 submitters: Likely pathogenic (1); Uncertain significance (1). Last evaluated 2022-12-31.

Conditions:
Usher syndrome. Also called: Usher Syndromes; Usher's syndrome. Identifiers: Orphanet 886, MedGen CN469326, MeSH D052245, MONDO:0019501. Disease mechanism: loss of function.

Submissions (2):

SN ONGC Dept of Genetics and Molecular biology Vision Research Foundation
Classification: Likely pathogenic for Usher syndrome. Last evaluated: 2022-12-31. Review status: criteria provided, single submitter. Criteria: ACMG Guidelines, 2015. Collection method: research. Allele origin: unknown. Affected: yes. Observed: 1 variant allele, 1 heterozygote.

Labcorp Genetics (formerly Invitae), Labcorp
Classification: Uncertain significance. Last evaluated: 2022-06-04. Review status: criteria provided, single submitter. Criteria: Invitae Variant Classification Sherloc (09022015). Collection method: clinical testing. Allele origin: germline.
Comment: In summary, the available evidence is currently insufficient to determine the role of this variant in disease. Therefore, it has been classified as a Variant of Uncertain Significance. Algorithms developed to predict the effect of missense changes on protein structure and function are either unavailable or do not agree on the potential impact of this missense change (SIFT: "Tolerated"; PolyPhen-2: "Probably Damaging"; Align-GVGD: "Class C0"). This missense change has been observed in individual(s) with retinitis pigmentosa (PMID: 32675063). This variant is not present in population databases (gnomAD no frequency). This sequence change replaces arginine, which is basic and polar, with proline, which is neutral and non-polar, at codon 2859 of the USH2A protein (p.Arg2859Pro).

Literature cited by the submitters: PubMed 32675063 (cited by Labcorp Genetics (formerly Invitae), Labcorp).

NM_206933.4(USH2A):c.8576G>C (p.Arg2859Pro)

Gene: USH2A (usherin; minus strand). Cytogenetic location: 1q41.
Variant type: single nucleotide variant.
Coding change: c.8576G>C on transcript NM_206933.4 (MANE Select); coding-DNA position 8576, G replaced by C.
Protein change: p.Arg2859Pro; replaces arginine 2859 with proline.
Molecular consequence: missense variant.
Genome position (GRCh38, 1-based): chr1:215,877,863, C>G on the plus strand (G>C on the coding strand, the complement: USH2A is on the minus strand). VCF-style: chr1-215877863-C-G. GRCh37 (hg19) VCF-style: chr1-216051205-C-G.
Other names: short protein forms R2859P.
Identifiers: ClinVar variation 1970747 (VCV001970747.29), dbSNP rs778272177, ClinGen allele CA344829905.